The following is an entry in ClinVar:

NM_006070.6(TFG):c.1048G>A (p.Ala350Thr)

Gene: TFG (trafficking from ER to golgi regulator; plus strand). Cytogenetic location: 3q12.2.
Variant type: single nucleotide variant.
Coding change: c.1048G>A on transcript NM_006070.6 (MANE Select); coding-DNA position 1048, G replaced by A.
Protein change: p.Ala350Thr; replaces alanine 350 with threonine.
Molecular consequence: missense variant.
Genome position (GRCh38, 1-based): chr3:100,748,376, G>A. VCF-style: chr3-100748376-G-A. GRCh37 (hg19) VCF-style: chr3-100467220-G-A.
Other names: p.Ala350Thr; c.1048G>A, p.Ala350Thr (NM_001007565.2, NM_001195478.2); c.1036G>A, p.Ala346Thr (NM_001195479.2); short protein forms A346T, A350T.
Identifiers: ClinVar variation 706581 (VCV000706581.25), dbSNP rs543542721, ClinGen allele CA2517246.

ClinVar aggregate classification (germline): Conflicting classifications of pathogenicity. Review status: criteria provided, conflicting classifications (1 of 4 stars). 6 submissions from 6 submitters: Uncertain significance (3); Likely benign (3). Last evaluated 2025-07-23.

Conditions:
TFG-related disorder. Also called: TFG-related condition; TFG-related disorders.
Hereditary spastic paraplegia 57. Also called: Spastic paraplegia 57, autosomal recessive. Identifiers: Orphanet 431329, MedGen C3714897, MONDO:0014295, OMIM 615658.
Hereditary motor and sensory neuropathy, Okinawa type (HMSNO). Also called: HEREDITARY MOTOR AND SENSORY NEUROPATHY, PROXIMAL TYPE. Identifiers: Orphanet 90117, MedGen C1858338, MONDO:0011468, OMIM 604484.
Inborn genetic diseases. Identifiers: MedGen C0950123, MeSH D030342.

Allele frequency attached by ClinVar (database versions not stated): gnomAD 0.00002 and 0.00007; TOPMed 0.00002; 1000 Genomes Project 30x 0.00031; ExAC 0.00031; 1000 Genomes Project 0.00040.
gnomAD v4.1: 194 of 1,614,102 alleles (0.012%); highest among the groups gnomAD compares: South Asian, 0.18%; 1 homozygote.

Submissions (6):

Labcorp Genetics (formerly Invitae), Labcorp
Classification: Likely benign for Hereditary motor and sensory neuropathy, Okinawa type; Hereditary spastic paraplegia 57. Last evaluated: 2025-07-23. Review status: criteria provided, single submitter. Criteria: Invitae Variant Classification Sherloc (09022015). Collection method: clinical testing. Allele origin: germline.

GeneDx
Classification: Uncertain significance. Last evaluated: 2025-01-31. Review status: criteria provided, single submitter. Criteria: GeneDx Variant Classification Process June 2021. Collection method: clinical testing. Allele origin: germline. Affected: yes.
Comment: Reported previously in a patient with Parkinson disease; however, additional clinical information and familial segregation data not available (PMID: 35642252); In silico analysis indicates that this missense variant does not alter protein structure/function; This variant is associated with the following publications: (PMID: 32682410, 35642252)

PreventionGenetics, part of Exact Sciences
Classification: Likely benign for TFG-related condition. Last evaluated: 2024-12-20. Review status: criteria provided, single submitter. Criteria: ACMG Guidelines, 2015. Collection method: clinical testing. Allele origin: germline.
Comment: This variant is classified as likely benign based on ACMG/AMP sequence variant interpretation guidelines (Richards et al. 2015 PMID: 25741868, with internal and published modifications).

ARUP Laboratories, Molecular Genetics and Genomics, ARUP Laboratories
Classification: Uncertain significance. Last evaluated: 2022-01-14. Review status: criteria provided, single submitter. Criteria: ARUP Molecular Germline Variant Investigation Process 2021. Collection method: clinical testing. Allele origin: germline.
Comment: The TFG c.1048G>A; p.Ala350Thr variant (rs543542721), to our knowledge, is not reported in the medical literature but is reported in ClinVar (Variation ID: 706581). This variant is found in the South Asian population with an allele frequency of 0.19% (58/30612 alleles) in the Genome Aggregation Database. The alanine at codon 350 is moderately conserved, and computational analyses predict that this variant is neutral (REVEL: 0.055). Due to limited information, the clinical significance of the p.Ala350Thr variant is uncertain at this time.

Mayo Clinic Laboratories, Mayo Clinic
Classification: Uncertain significance. Last evaluated: 2021-06-17. Review status: criteria provided, single submitter. Criteria: ACMG Guidelines, 2015. Collection method: clinical testing. Allele origin: germline.

Ambry Genetics
Classification: Likely benign for Inborn genetic diseases. Last evaluated: 2021-03-01. Review status: criteria provided, single submitter. Criteria: Ambry Variant Classification Scheme 2023. Collection method: clinical testing. Allele origin: germline.